The following is an entry in ClinVar:

NM_000159.4(GCDH):c.961C>A (p.Gln321Lys)

Gene: GCDH (glutaryl-CoA dehydrogenase; plus strand). Cytogenetic location: 19p13.13.
Variant type: single nucleotide variant.
Coding change: c.961C>A on transcript NM_000159.4 (MANE Select); coding-DNA position 961, C replaced by A.
Protein change: p.Gln321Lys; replaces glutamine 321 with lysine.
Molecular consequence: missense variant. On other transcripts: non-coding transcript variant (2).
Genome position (GRCh38, 1-based): chr19:12,897,307, C>A. VCF-style: chr19-12897307-C-A. GRCh37 (hg19) VCF-style: chr19-13008121-C-A.
Other names: c.961C>A, p.Gln321Lys (NM_013976.5); short protein forms Q321K.
Identifiers: ClinVar variation 3339102 (VCV003339102.1).
Genomic context (GRCh38, chr19:12,897,307, plus strand): 5'-GGACGGGGTGGGAGAGTGGGCCTCCCCTCGCTCTTACCCTGCCATTGCCCATGTAGGATG[C>A]AGTTTGGTGTCCCACTGGCCAGGAACCAGCTGATTCAGAAGAAGCTGGCAGACATGCTCA-3'
Protein context (NP_000150.1, residues 311-331): TARQYALDRM[Gln321Lys]FGVPLARNQL

ClinVar aggregate classification (germline): Uncertain significance (1 of 4 stars; one submission).

gnomAD v4.1: 5 of 1,613,752 alleles (0.00031%); highest among the groups gnomAD compares: Non-Finnish European, 0.00042%; no homozygotes.

Submission:

Women's Health and Genetics/Laboratory Corporation of America, LabCorp
Classification: Uncertain significance. Last evaluated: 2024-07-05. Review status: criteria provided, single submitter. Criteria: LabCorp Variant Classification Summary - May 2015. Collection method: clinical testing. Allele origin: germline.
Comment: Variant summary: GCDH c.961C>A (p.Gln321Lys) results in a conservative amino acid change located in the Acyl-CoA dehydrogenase/oxidase, C-terminal domain (IPR009075) of the encoded protein sequence. Four of five in-silico tools predict a damaging effect of the variant on protein function. The variant allele was found at a frequency of 4e-06 in 250986 control chromosomes. The available data on variant occurrences in the general population are insufficient to allow any conclusion about variant significance. To our knowledge, no occurrence of c.961C>A in individuals affected with Glutaric Acidemia Type 1 and no experimental evidence demonstrating its impact on protein function have been reported. No submitters have cited clinical-significance assessments for this variant to ClinVar. Based on the evidence outlined above, the variant was classified as uncertain significance.